The following is an entry in ClinVar:

NM_033505.4(SELENOI):c.236-8del

Gene: SELENOI (selenoprotein I; plus strand). Cytogenetic location: 2p23.3.
Variant type: Deletion.
Coding change: c.236-8del on transcript NM_033505.4 (MANE Select); 8 bases into the intron before coding-DNA position 236, one base deleted (C; older notation c.236-8delC).
Molecular consequence: intron variant.
Genome position (GRCh38, 1-based): chr2:26,367,138, C deleted; the last of 2 consecutive C bases (chr2:26,367,137-26,367,138); deleting either gives the same sequence. VCF-style (leftmost placement, unchanged base first): chr2-26367136-TC-T. GRCh37 (hg19) VCF-style: chr2-26590004-TC-T.
Identifiers: ClinVar variation 3780589 (VCV003780589.5).

ClinVar aggregate classification (germline): Conflicting classifications of pathogenicity. Review status: criteria provided, conflicting classifications (1 of 4 stars). 2 submissions from 2 submitters: Uncertain significance (1); Likely benign (1). Last evaluated 2026-01-01.

Conditions:
SELENOI-related condition.

Submissions (2):

CeGaT Center for Human Genetics Tuebingen
Classification: Likely benign. Last evaluated: 2026-01-01. Review status: criteria provided, single submitter. Criteria: CeGaT Center For Human Genetics Tuebingen Variant Classification Criteria Version 2. Collection method: clinical testing. Allele origin: germline. Affected: yes. Observed: 1 variant allele.
Comment: SELENOI: BS2

Department of Pathology and Laboratory Medicine, Sinai Health System
Classification: Uncertain significance for SELENOI-related condition. Last evaluated: 2022-04-01. Review status: criteria provided, single submitter. Criteria: ACMG Guidelines, 2015. Collection method: research. Allele origin: germline.